The following is an entry in ClinVar:

ClinVar aggregate classification (germline): Uncertain significance (1 of 4 stars; one submission).

gnomAD v4.1: 17 of 1,613,458 alleles (0.0011%); highest among the groups gnomAD compares: South Asian, 0.014%; no homozygotes.

Submission:

Labcorp Genetics (formerly Invitae), Labcorp
Classification: Uncertain significance. Last evaluated: 2024-10-17. Review status: criteria provided, single submitter. Criteria: Invitae Variant Classification Sherloc (09022015). Collection method: clinical testing. Allele origin: germline.
Comment: This sequence change replaces methionine, which is neutral and non-polar, with valine, which is neutral and non-polar, at codon 186 of the JAK2 protein (p.Met186Val). This variant is present in population databases (no rsID available, gnomAD 0.01%). This variant has not been reported in the literature in individuals affected with JAK2-related conditions. An algorithm developed to predict the effect of missense changes on protein structure and function (PolyPhen-2) suggests that this variant is likely to be tolerated. In summary, the available evidence is currently insufficient to determine the role of this variant in disease. Therefore, it has been classified as a Variant of Uncertain Significance.

NM_004972.4(JAK2):c.556A>G (p.Met186Val)

Genes: INSL6 (insulin like 6; minus strand), JAK2 (Janus kinase 2; plus strand). Cytogenetic location: 9p24.1.
Variant type: single nucleotide variant.
Coding change: c.556A>G on transcript NM_004972.4 (MANE Select); coding-DNA position 556, A replaced by G.
Protein change: p.Met186Val; replaces methionine 186 with valine.
Molecular consequence: missense variant. On other transcripts: 5 prime UTR variant (2), non-coding transcript variant (2).
Genome position (GRCh38, 1-based): chr9:5,050,773, A>G. VCF-style: chr9-5050773-A-G. GRCh37 (hg19) VCF-style: chr9-5050773-A-G.
Other names: c.556A>G, p.Met186Val (NM_001322194.2, NM_001322195.2, NM_001322196.2); c.-565A>G (NM_001322198.2, NM_001322199.2); c.109A>G, p.Met37Val (NM_001322204.2); short protein forms M186V, M37V.
Identifiers: ClinVar variation 3606764 (VCV003606764.2).